The following is an entry in ClinVar:

ClinVar aggregate classification (germline): Uncertain significance (1 of 4 stars; one submission).

gnomAD v4.1: 29 of 1,614,212 alleles (0.0018%); highest among the groups gnomAD compares: African/African-American, 0.016%; no homozygotes.

Submission:

Labcorp Genetics (formerly Invitae), Labcorp
Classification: Uncertain significance. Last evaluated: 2025-01-13. Review status: criteria provided, single submitter. Criteria: Invitae Variant Classification Sherloc (09022015). Collection method: clinical testing. Allele origin: germline.
Comment: This sequence change replaces arginine, which is basic and polar, with glutamine, which is neutral and polar, at codon 75 of the LZTS1 protein (p.Arg75Gln). This variant is present in population databases (rs200216430, gnomAD 0.02%). This variant has not been reported in the literature in individuals affected with LZTS1-related conditions. Invitae Evidence Modeling of protein sequence and biophysical properties (such as structural, functional, and spatial information, amino acid conservation, physicochemical variation, residue mobility, and thermodynamic stability) indicates that this missense variant is not expected to disrupt LZTS1 protein function with a negative predictive value of 80%. In summary, the available evidence is currently insufficient to determine the role of this variant in disease. Therefore, it has been classified as a Variant of Uncertain Significance.

NM_021020.5(LZTS1):c.224G>A (p.Arg75Gln)

Gene: LZTS1 (leucine zipper tumor suppressor 1; minus strand). Cytogenetic location: 8p21.3.
Variant type: single nucleotide variant.
Coding change: c.224G>A on transcript NM_021020.5 (MANE Select); coding-DNA position 224, G replaced by A.
Protein change: p.Arg75Gln; replaces arginine 75 with glutamine.
Molecular consequence: missense variant.
Genome position (GRCh38, 1-based): chr8:20,254,958, C>T on the plus strand (G>A on the coding strand, the complement: LZTS1 is on the minus strand). VCF-style: chr8-20254958-C-T. GRCh37 (hg19) VCF-style: chr8-20112469-C-T.
Other names: c.224G>A, p.Arg75Gln (NM_001362884.2); short protein forms R75Q.
Identifiers: ClinVar variation 3716155 (VCV003716155.2).